The following is an entry in ClinVar:

NM_015225.3(PRUNE2):c.268G>A (p.Asp90Asn)

Gene: PRUNE2 (prune homolog 2 with BCH domain; minus strand). Cytogenetic location: 9q21.2.
Variant type: single nucleotide variant.
Coding change: c.268G>A on transcript NM_015225.3 (MANE Select); coding-DNA position 268, G replaced by A.
Protein change: p.Asp90Asn; replaces aspartic acid 90 with asparagine.
Molecular consequence: missense variant.
Genome position (GRCh38, 1-based): chr9:76,850,539, C>T on the plus strand (G>A on the coding strand, the complement: PRUNE2 is on the minus strand). VCF-style: chr9-76850539-C-T. GRCh37 (hg19) VCF-style: chr9-79465455-C-T.
Other names: c.268G>A, p.Asp90Asn (NM_001308047.2, NM_001308048.2); short protein forms D90N.
Identifiers: ClinVar variation 3770545 (VCV003770545.13).
Genomic context (GRCh38, chr9:76,850,539, plus strand): 5'-TGCCAACAAGTGTTATCGATAACTTCCCTTCATCATTTAGCTGATGCAGGTTAATTTCAT[C>T]CCGGAATATGTGGAATGATTCGGAAATATTTAGCTCTTCTAAAATAAACCTCGTCTCGGT-3'
Protein context (NP_056040.2, residues 80-100): NISESFHIFR[Asp90Asn]EINLHQLNDE

ClinVar aggregate classification (germline): Likely benign (1 of 4 stars; one submission).

gnomAD v4.1: 17,994 of 1,613,636 alleles (1.1%); highest among the groups gnomAD compares: Non-Finnish European, 1.3%; 129 homozygotes.

Submission:

CeGaT Center for Human Genetics Tuebingen
Classification: Likely benign. Last evaluated: 2025-02-01. Review status: criteria provided, single submitter. Criteria: CeGaT Center For Human Genetics Tuebingen Variant Classification Criteria Version 2. Collection method: clinical testing. Allele origin: germline. Affected: yes. Observed: 1 variant allele.
Comment: PRUNE2: BS1